The following is an entry in ClinVar:

ClinVar aggregate classification (germline): Uncertain significance. Review status: criteria provided, multiple submitters, no conflicts (2 of 4 stars). 2 submissions from 2 submitters: Uncertain significance (2). Last evaluated 2024-08-30.

Allele frequency attached by ClinVar (database versions not stated): gnomAD 0.00003 and 0.00005; TOPMed 0.00005; ExAC 0.00007; 1000 Genomes Project 30x 0.00016; ESP Exome Variant Server 0.00016; 1000 Genomes Project 0.00020.
gnomAD v4.1: 69 of 1,613,678 alleles (0.0043%); highest among the groups gnomAD compares: Middle Eastern, 0.033%; no homozygotes.

Submissions (2):

Labcorp Genetics (formerly Invitae), Labcorp
Classification: Uncertain significance. Last evaluated: 2024-08-30. Review status: criteria provided, single submitter. Criteria: Invitae Variant Classification Sherloc (09022015). Collection method: clinical testing. Allele origin: germline.
Comment: This sequence change replaces arginine, which is basic and polar, with tryptophan, which is neutral and slightly polar, at codon 778 of the ATP8A2 protein (p.Arg778Trp). This variant is present in population databases (rs150714658, gnomAD 0.007%). This variant has not been reported in the literature in individuals affected with ATP8A2-related conditions. ClinVar contains an entry for this variant (Variation ID: 1470939). Invitae Evidence Modeling of protein sequence and biophysical properties (such as structural, functional, and spatial information, amino acid conservation, physicochemical variation, residue mobility, and thermodynamic stability) has been performed for this missense variant. However, the output from this modeling did not meet the statistical confidence thresholds required to predict the impact of this variant on ATP8A2 protein function. In summary, the available evidence is currently insufficient to determine the role of this variant in disease. Therefore, it has been classified as a Variant of Uncertain Significance.

Breakthrough Genomics
Classification: Uncertain significance. Review status: criteria provided, single submitter. Criteria: ACMG Guidelines, 2015. Collection method: not provided. Allele origin: germline. Inheritance: Autosomal recessive inheritance. Affected: yes.

NM_016529.6(ATP8A2):c.2332C>T (p.Arg778Trp)

Gene: ATP8A2 (ATPase phospholipid transporting 8A2). Cytogenetic location: 13q12.13.
Variant type: single nucleotide variant.
Coding change: c.2332C>T on transcript NM_016529.6 (MANE Select); coding-DNA position 2332, C replaced by T.
Protein change: p.Arg778Trp; replaces arginine 778 with tryptophan.
Molecular consequence: missense variant.
Genome position (GRCh38, 1-based): chr13:25,699,293, C>T. VCF-style: chr13-25699293-C-T. GRCh37 (hg19) VCF-style: chr13-26273431-C-T.
Other names: c.2212C>T, p.Arg738Trp (NM_001313741.1); short protein forms R778W, R738W.
Identifiers: ClinVar variation 1470939 (VCV001470939.7), dbSNP rs150714658, ClinGen allele CA6923285.
Genomic context (GRCh38, chr13:25,699,293, plus strand): 5'-AATGACGTGGCCCTGATCATCGATGGCCACACCCTGAAGTACGCGCTCTCCTTCGAAGTC[C>T]GGAGGAGTTTCCTGGATTTGGCACTCTCGTGCAAAGCGGTCATATGCTGCAGGTAGGAAC-3'
Protein context (NP_057613.4, residues 768-788): TLKYALSFEV[Arg778Trp]RSFLDLALSC